The following is an entry in ClinVar:

ClinVar aggregate classification (germline): Uncertain significance (1 of 4 stars; one submission).

Conditions:
Hyperimmunoglobulin D with periodic fever (HIDS). Also called: Hyperimmunoglobulinemia D; Hyperimmunoglobulinemia D with periodic fever; HYPERIMMUNOGLOBULINEMIA D AND PERIODIC FEVER SYNDROME. Identifiers: Orphanet 343, MedGen C0398691, MONDO:0009849, OMIM 260920.
Mevalonic aciduria (MEVA). Identifiers: Orphanet 29, MedGen C1959626, MONDO:0012481, OMIM 610377.
Porokeratosis 3, disseminated superficial actinic type (POROK3). Also called: POROKERATOSIS, DISSEMINATED SUPERFICIAL ACTINIC, 1; POROKERATOSIS 3, MULTIPLE TYPES; POROKERATOSIS 3, MIBELLI TYPE. Identifiers: MedGen C1867981, MONDO:0008293, OMIM 175900.

Allele frequency attached by ClinVar (database versions not stated): gnomAD 0.00001; TOPMed 0.00001.
gnomAD v4.1: 1 of 1,614,128 alleles (0.000062%); highest among the groups gnomAD compares: Non-Finnish European, 0.000085%; no homozygotes.

Submission:

Labcorp Genetics (formerly Invitae), Labcorp
Classification: Uncertain significance for Mevalonic aciduria; Hyperimmunoglobulin D with periodic fever; Porokeratosis 3, disseminated superficial actinic type. Last evaluated: 2025-06-12. Review status: criteria provided, single submitter. Criteria: Invitae Variant Classification Sherloc (09022015). Collection method: clinical testing. Allele origin: germline.
Comment: This sequence change replaces glutamic acid, which is acidic and polar, with glycine, which is neutral and non-polar, at codon 76 of the MVK protein (p.Glu76Gly). This variant is not present in population databases (gnomAD no frequency). This variant has not been reported in the literature in individuals affected with MVK-related conditions. ClinVar contains an entry for this variant (Variation ID: 642096). An algorithm developed to predict the effect of missense changes on protein structure and function outputs the following: PolyPhen-2: "Benign". The glycine amino acid residue is found in multiple mammalian species, which suggests that this missense change does not adversely affect protein function. In summary, the available evidence is currently insufficient to determine the role of this variant in disease. Therefore, it has been classified as a Variant of Uncertain Significance.

NM_000431.4(MVK):c.227A>G (p.Glu76Gly)

Gene: MVK (mevalonate kinase; plus strand). Cytogenetic location: 12q24.11.
Variant type: single nucleotide variant.
Coding change: c.227A>G on transcript NM_000431.4 (MANE Select); coding-DNA position 227, A replaced by G.
Protein change: p.Glu76Gly; replaces glutamic acid 76 with glycine.
Molecular consequence: missense variant.
Genome position (GRCh38, 1-based): chr12:109,579,802, A>G. VCF-style: chr12-109579802-A-G. GRCh37 (hg19) VCF-style: chr12-110017607-A-G.
Other names: c.227A>G, p.Glu76Gly (NM_001114185.3, NM_001301182.2); short protein forms E76G.
Identifiers: ClinVar variation 642096 (VCV000642096.10), dbSNP rs1593015412, ClinGen allele CA386645093.